The following is an entry in ClinVar:

NM_001297.5(CNGB1):c.1204G>A (p.Asp402Asn)

Gene: CNGB1 (cyclic nucleotide gated channel subunit beta 1; minus strand). Cytogenetic location: 16q21.
Variant type: single nucleotide variant.
Coding change: c.1204G>A on transcript NM_001297.5 (MANE Select); coding-DNA position 1204, G replaced by A.
Protein change: p.Asp402Asn; replaces aspartic acid 402 with asparagine.
Molecular consequence: missense variant.
Genome position (GRCh38, 1-based): chr16:57,940,239, C>T on the plus strand (G>A on the coding strand, the complement: CNGB1 is on the minus strand). VCF-style: chr16-57940239-C-T. GRCh37 (hg19) VCF-style: chr16-57974143-C-T.
Other names: c.1186G>A, p.Asp396Asn (NM_001286130.2); short protein forms D402N, D396N.
Identifiers: ClinVar variation 194491 (VCV000194491.44), dbSNP rs140907154, ClinGen allele CA240492.

ClinVar aggregate classification (germline): Benign/Likely benign. Review status: criteria provided, multiple submitters, no conflicts (2 of 4 stars). 9 submissions from 9 submitters: Benign (4); Likely benign (5). Last evaluated 2026-01-28.

Conditions:
Retinal dystrophy. Also called: Inherited retinal dystrophy. Identifiers: Orphanet 71862, MedGen C0854723, MeSH D058499, MONDO:0019118, HP:0000556.
Retinitis pigmentosa (RP). Identifiers: Orphanet 791, MedGen C0035334, MeSH D012174, MONDO:0019200, OMIM 268000. Inheritance: Autosomal dominant, autosomal recessive and X linked inheritance.
Retinitis pigmentosa 45 (RP45). Identifiers: Orphanet 791, MedGen C3151066, MONDO:0013413, OMIM 613767.

Allele frequency attached by ClinVar (database versions not stated): ESP Exome Variant Server 0.00033; gnomAD exomes 0.00126 and 0.00591; gnomAD 0.00157 and 0.00175; 1000 Genomes Project 0.00339; ExAC 0.00398; TOPMed 0.00405; 1000 Genomes Project 30x 0.00406.
gnomAD v4.1: 2,043 of 1,566,278 alleles (0.13%); highest among the groups gnomAD compares: Admixed American, 2.4%; 30 homozygotes.

Submissions (9):

Labcorp Genetics (formerly Invitae), Labcorp
Classification: Benign. Last evaluated: 2026-01-28. Review status: criteria provided, single submitter. Criteria: Invitae Variant Classification Sherloc (09022015). Collection method: clinical testing. Allele origin: germline.

Blueprint Genetics
Classification: Likely benign. Last evaluated: 2024-11-18. Review status: criteria provided, single submitter. Criteria: ACMG Guidelines, 2015. Collection method: clinical testing. Allele origin: germline.

Dept Of Ophthalmology, Nagoya University
Classification: Benign for Retinal dystrophy. Last evaluated: 2023-10-01. Review status: criteria provided, single submitter. Criteria: Submitter's publication. Collection method: research. Allele origin: germline. Affected: yes.

CeGaT Center for Human Genetics Tuebingen
Classification: Benign. Last evaluated: 2023-02-01. Review status: criteria provided, single submitter. Criteria: CeGaT Center For Human Genetics Tuebingen Variant Classification Criteria Version 2. Collection method: clinical testing. Allele origin: germline. Affected: yes. Observed: 2 variant alleles.
Comment: CNGB1: BP4, BS1, BS2

Fulgent Genetics
Classification: Likely benign for Retinitis pigmentosa 45. Last evaluated: 2021-11-02. Review status: criteria provided, single submitter. Criteria: ACMG Guidelines, 2015. Collection method: clinical testing. Allele origin: unknown.

Illumina Laboratory Services, Illumina
Classification: Likely benign for Retinitis pigmentosa. Last evaluated: 2018-01-12. Review status: criteria provided, single submitter. Criteria: ICSL Variant Classification Criteria 13 December 2019. Collection method: clinical testing. Allele origin: germline.
Comment: This variant was observed in the ICSL laboratory as part of a predisposition screen in an ostensibly healthy population. It had not been previously curated by ICSL or reported in the Human Gene Mutation Database (HGMD: prior to June 1st, 2018), and was therefore a candidate for classification through an automated scoring system. Utilizing variant allele frequency, disease prevalence and penetrance estimates, and inheritance mode, an automated score was calculated to assess if this variant is too frequent to cause the disease. Based on the score and internal cut-off values, a variant classified as likely benign is not then subjected to further curation. The score for this variant resulted in a classification of likely benign for this disease.

Eurofins Ntd Llc (ga)
Classification: Benign. Last evaluated: 2017-02-09. Review status: criteria provided, single submitter. Criteria: EGL Classification Definitions 2015. Collection method: clinical testing. Allele origin: germline. Observed: 1 variant allele, 1 heterozygote.

Institute of Human Genetics, Univ. Regensburg, Univ. Regensburg
Classification: Likely benign for Retinal dystrophy. Last evaluated: 2013-01-01. Review status: criteria provided, single submitter. Criteria: ACMG Guidelines, 2015. Collection method: clinical testing. Allele origin: germline. Affected: yes.

Breakthrough Genomics
Classification: Likely benign. Review status: criteria provided, single submitter. Criteria: ACMG Guidelines, 2015. Collection method: not provided. Allele origin: germline. Inheritance: Autosomal recessive inheritance. Affected: yes.

Literature cited by the submitters: PubMed 24938718 (cited by Institute of Human Genetics, Univ. Regensburg, Univ. Regensburg).